The following is an entry in ClinVar:

NM_133497.4(KCNV2):c.727C>A (p.Arg243=)

Gene: KCNV2 (potassium voltage-gated channel modifier subfamily V member 2; plus strand). Cytogenetic location: 9p24.2.
Variant type: single nucleotide variant.
Coding change: c.727C>A on transcript NM_133497.4 (MANE Select); coding-DNA position 727, C replaced by A.
Protein change: p.Arg243=; no amino-acid change (arginine 243 retained).
Molecular consequence: synonymous variant.
Genome position (GRCh38, 1-based): chr9:2,718,466, C>A. VCF-style: chr9-2718466-C-A. GRCh37 (hg19) VCF-style: chr9-2718466-C-A.
Other names: c.727C>A (NM_133497.3).
Identifiers: ClinVar variation 1124993 (VCV001124993.11), dbSNP rs143138491, ClinGen allele CA4965597.
Genomic context (GRCh38, chr9:2,718,466, plus strand): 5'-CAGGCGCAGGTCGAGGAGGCGGAGGAACTCTTCCGCGACATGCGCTTCTACGGCCCGCAG[C>A]GGCGCCGCCTCTGGAACCTCATGGAGAAGCCATTCTCCTCGGTGGCCGCCAAGGCCATCG-3'
Protein context (NP_598004.1, residues 233-253): FRDMRFYGPQ[Arg243=]RRLWNLMEKP

ClinVar aggregate classification (germline): Likely benign. Review status: criteria provided, multiple submitters, no conflicts (2 of 4 stars). 3 submissions from 3 submitters: Likely benign (3). Last evaluated 2025-10-14.

Conditions:
KCNV2-related disorder. Also called: KCNV2-related condition.

Allele frequency attached by ClinVar (database versions not stated): ExAC 0.00008.
gnomAD v4.1: 78 of 1,608,322 alleles (0.0048%); highest among the groups gnomAD compares: African/African-American, 0.092%; no homozygotes.

Submissions (3):

Labcorp Genetics (formerly Invitae), Labcorp
Classification: Likely benign. Last evaluated: 2025-10-14. Review status: criteria provided, single submitter. Criteria: Invitae Variant Classification Sherloc (09022015). Collection method: clinical testing. Allele origin: germline.

PreventionGenetics, part of Exact Sciences
Classification: Likely benign for KCNV2-related condition. Last evaluated: 2025-06-23. Review status: criteria provided, single submitter. Criteria: ACMG Guidelines, 2015. Collection method: clinical testing. Allele origin: germline.
Comment: This variant is classified as likely benign based on ACMG/AMP sequence variant interpretation guidelines (Richards et al. 2015 PMID: 25741868, with internal and published modifications).

Blueprint Genetics
Classification: Likely benign. Last evaluated: 2022-08-11. Review status: criteria provided, single submitter. Criteria: ACMG Guidelines, 2015. Collection method: clinical testing. Allele origin: germline.